The following is an entry in ClinVar:

NM_173076.3(ABCA12):c.3360A>G (p.Gly1120=)

Gene: ABCA12 (ATP binding cassette subfamily A member 12; minus strand). Cytogenetic location: 2q35.
Variant type: single nucleotide variant.
Coding change: c.3360A>G on transcript NM_173076.3 (MANE Select); coding-DNA position 3360, A replaced by G.
Protein change: p.Gly1120=; no amino-acid change (glycine 1120 retained).
Molecular consequence: synonymous variant. On other transcripts: non-coding transcript variant (1).
Genome position (GRCh38, 1-based): chr2:214,990,966, T>C on the plus strand (A>G on the coding strand, the complement: ABCA12 is on the minus strand). VCF-style: chr2-214990966-T-C. GRCh37 (hg19) VCF-style: chr2-215855690-T-C.
Other names: c.2406A>G, p.Gly802= (NM_015657.4).
Identifiers: ClinVar variation 722101 (VCV000722101.8), dbSNP rs143190147, ClinGen allele CA2091741.

ClinVar aggregate classification (germline): Likely benign. Review status: criteria provided, single submitter (1 of 4 stars). 2 submissions from 2 submitters: Likely benign (1). 1 of the submissions does not count toward it. Last evaluated 2024-03-25.

Conditions:
ABCA12-related disorder. Also called: ABCA12-related condition.

Allele frequency attached by ClinVar (database versions not stated): gnomAD exomes 0.00009; TOPMed 0.00046; gnomAD 0.00044 and 0.00041; ExAC 0.00012; 1000 Genomes Project 0.00040; 1000 Genomes Project 30x 0.00031; ESP Exome Variant Server 0.00046.
gnomAD v4.1: 104 of 1,614,006 alleles (0.0064%); highest among the groups gnomAD compares: African/African-American, 0.13%; no homozygotes.

Submissions (2):

Labcorp Genetics (formerly Invitae), Labcorp
Classification: Likely benign. Last evaluated: 2024-03-25. Review status: criteria provided, single submitter. Criteria: Invitae Variant Classification Sherloc (09022015). Collection method: clinical testing. Allele origin: germline.

PreventionGenetics, part of Exact Sciences
Classification: Likely benign for ABCA12-related condition. Last evaluated: 2022-03-08. Review status: no assertion criteria provided. Collection method: clinical testing. Allele origin: germline. Not counted in ClinVar's aggregate classification.
Comment: This variant is classified as likely benign based on ACMG/AMP sequence variant interpretation guidelines (Richards et al. 2015 PMID: 25741868, with internal and published modifications).